The following is an entry in ClinVar:

ClinVar aggregate classification (germline): Likely benign. Review status: criteria provided, multiple submitters, no conflicts (2 of 4 stars). 3 submissions from 3 submitters: Likely benign (3). Last evaluated 2025-02-28.

Conditions:
DYNC1H1-related disorder. Also called: DYNC1H1-related disorders; DYNC1H1-related condition. Identifiers: MedGen CN381529.
Charcot-Marie-Tooth disease axonal type 2O. Also called: Charcot-Marie-Tooth disease, axonal, type 20; CHARCOT-MARIE-TOOTH NEUROPATHY, AXONAL, TYPE 2O; CHARCOT-MARIE-TOOTH DISEASE, AXONAL, AUTOSOMAL DOMINANT, TYPE 2O; Charcot-Marie-Tooth Neuropathy Type 2O. Identifiers: Orphanet 284232, MedGen C3280220, MONDO:0013644, OMIM 614228.

Allele frequency attached by ClinVar (database versions not stated): gnomAD exomes below 0.00001 and 0.00001; gnomAD 0.00001; TOPMed 0.00003; ExAC 0.00004.
gnomAD v4.1: 7 of 1,614,134 alleles (0.00043%); highest among the groups gnomAD compares: Middle Eastern, 0.016%; no homozygotes.

Submissions (3):

PreventionGenetics, part of Exact Sciences
Classification: Likely benign for DYNC1H1-related condition. Last evaluated: 2025-02-28. Review status: criteria provided, single submitter. Criteria: ACMG Guidelines, 2015. Collection method: clinical testing. Allele origin: germline.
Comment: This variant is classified as likely benign based on ACMG/AMP sequence variant interpretation guidelines (Richards et al. 2015 PMID: 25741868, with internal and published modifications).

Labcorp Genetics (formerly Invitae), Labcorp
Classification: Likely benign for Charcot-Marie-Tooth disease axonal type 2O. Last evaluated: 2024-09-29. Review status: criteria provided, single submitter. Criteria: Invitae Variant Classification Sherloc (09022015). Collection method: clinical testing. Allele origin: germline.

GeneDx
Classification: Likely benign. Last evaluated: 2019-10-22. Review status: criteria provided, single submitter. Criteria: GeneDx Variant Classification Process June 2021. Collection method: clinical testing. Allele origin: germline. Affected: yes.

NM_001376.5(DYNC1H1):c.7986C>T (p.Phe2662=)

Gene: DYNC1H1 (dynein cytoplasmic 1 heavy chain 1; plus strand). Cytogenetic location: 14q32.31.
Variant type: single nucleotide variant.
Coding change: c.7986C>T on transcript NM_001376.5 (MANE Select); coding-DNA position 7986, C replaced by T.
Protein change: p.Phe2662=; no amino-acid change (phenylalanine 2662 retained).
Molecular consequence: synonymous variant.
Genome position (GRCh38, 1-based): chr14:102,017,225, C>T. VCF-style: chr14-102017225-C-T. GRCh37 (hg19) VCF-style: chr14-102483562-C-T.
Identifiers: ClinVar variation 699890 (VCV000699890.13), dbSNP rs768455078, ClinGen allele CA7352912.